The following is an entry in ClinVar:

ClinVar aggregate classification (germline): Conflicting classifications of pathogenicity. Review status: criteria provided, conflicting classifications (1 of 4 stars). 3 submissions from 3 submitters: Uncertain significance (2); Likely benign (1). Last evaluated 2025-05-14.

Conditions:
Oto-palato-digital syndrome, type II (OPD2). Also called: Otopalatodigital Syndrome Type 2 (FLNA-OPD2); FACIOPALATOOSSEOUS SYNDROME; OPD II SYNDROME; Otopalatodigital Syndrome, Type II. Identifiers: Orphanet 669, Orphanet 90652, MedGen C1844696, MONDO:0010571, OMIM 304120.
Heterotopia, periventricular, X-linked dominant (PVNH1). Also called: PERIVENTRICULAR NODULAR HETEROTOPIA 1; X-linked periventricular heterotopia; PERIVENTRICULAR NODULAR HETEROTOPIA 4; HETEROTOPIA, PERIVENTRICULAR, 1. Identifiers: Orphanet 2149, Orphanet 82004, MedGen C1848213, MONDO:0010233, OMIM 300049.
Melnick-Needles syndrome (MNS). Also called: Melnick-Needles Syndrome (FLNA-MNS); MELNICK-NEEDLES OSTEODYSPLASTY; OSTEODYSPLASTY OF MELNICK AND NEEDLES. Identifiers: Orphanet 2484, MedGen C0025237, MONDO:0010650, OMIM 309350.
Frontometaphyseal dysplasia (FMD1). Identifiers: Orphanet 1826, MedGen C0265293, MONDO:0015942.
Familial thoracic aortic aneurysm and aortic dissection (TAAD). Also called: Thoracic aortic aneurysms and dissections. Identifiers: Orphanet 91387, MedGen C4707243, MONDO:0019625.

gnomAD v4.1: 4 of 1,210,048 alleles (0.00033%); highest among the groups gnomAD compares: Admixed American, 0.0022%; no homozygotes.

Submissions (3):

Ambry Genetics
Classification: Uncertain significance for Familial thoracic aortic aneurysm and aortic dissection. Last evaluated: 2025-05-14. Review status: criteria provided, single submitter. Criteria: Ambry Variant Classification Scheme 2023. Collection method: clinical testing. Allele origin: germline.
Comment: The p.R2383C variant (also known as c.7147C>T), located in coding exon 43 of the FLNA gene, results from a C to T substitution at nucleotide position 7147. The arginine at codon 2383 is replaced by cysteine, an amino acid with highly dissimilar properties. This amino acid position is highly conserved in available vertebrate species. In addition, this alteration is predicted to be deleterious by in silico analysis. Based on data from gnomAD, the T allele has an overall frequency of 0.0010% (2/203499) total alleles studied, with no hemizygote(s) observed. The highest observed frequency was 0.0036% (1/27996) of Latino alleles. Based on the available evidence, the clinical significance of this variant remains unclear.

Labcorp Genetics (formerly Invitae), Labcorp
Classification: Likely benign for Oto-palato-digital syndrome, type II; Heterotopia, periventricular, X-linked dominant; Frontometaphyseal dysplasia; Melnick-Needles syndrome. Last evaluated: 2025-04-17. Review status: criteria provided, single submitter. Criteria: Invitae Variant Classification Sherloc (09022015). Collection method: clinical testing. Allele origin: germline.

Centre of Medical Genetics, University of Antwerp
Classification: Uncertain significance for Familial thoracic aortic aneurysm and aortic dissection. Last evaluated: 2024-09-06. Review status: criteria provided, single submitter. Criteria: ACMG Guidelines, 2015. Collection method: clinical testing. Allele origin: germline. Affected: yes.

NM_001110556.2(FLNA):c.7171C>T (p.Arg2391Cys)

Gene: FLNA (filamin A; minus strand). Cytogenetic location: Xq28.
Variant type: single nucleotide variant.
Coding change: c.7171C>T on transcript NM_001110556.2 (MANE Select); coding-DNA position 7171, C replaced by T.
Protein change: p.Arg2391Cys; replaces arginine 2391 with cysteine.
Molecular consequence: missense variant.
Genome position (GRCh38, 1-based): chrX:154,350,193, G>A on the plus strand (C>T on the coding strand, the complement: FLNA is on the minus strand). VCF-style: chrX-154350193-G-A. GRCh37 (hg19) VCF-style: chrX-153578561-G-A.
Other names: c.7147C>T, p.Arg2383Cys (NM_001456.4); short protein forms R2391C, R2383C.
Identifiers: ClinVar variation 4025565 (VCV004025565.3).